The following is an entry in ClinVar:

ClinVar aggregate classification (germline): Uncertain significance. Review status: criteria provided, multiple submitters, no conflicts (2 of 4 stars). 5 submissions from 5 submitters: Uncertain significance (5). Last evaluated 2025-09-30.

Conditions:
Familial cancer of breast. Also called: BREAST CANCER, FAMILIAL; hereditary breast carcinoma; Hereditary breast cancer. Identifiers: Orphanet 227535, MedGen C0346153, MONDO:0016419, OMIM 114480. Disease mechanism: loss of function.
Hereditary cancer-predisposing syndrome. Also called: Neoplastic Syndromes, Hereditary; Tumor predisposition; Hereditary Cancer Syndrome; Hereditary neoplastic syndrome. Identifiers: Orphanet 140162, MedGen C0027672, MeSH D009386, MONDO:0015356.

Allele frequency attached by ClinVar (database versions not stated): TOPMed below 0.00001.
gnomAD v4.1: 8 of 1,614,228 alleles (0.0005%); highest among the groups gnomAD compares: African/African-American, 0.0027%; no homozygotes.

Submissions (5):

Labcorp Genetics (formerly Invitae), Labcorp
Classification: Uncertain significance for Familial cancer of breast. Last evaluated: 2025-09-30. Review status: criteria provided, single submitter. Criteria: Invitae Variant Classification Sherloc (09022015). Collection method: clinical testing. Allele origin: germline.
Comment: This sequence change replaces cysteine, which is neutral and slightly polar, with arginine, which is basic and polar, at codon 828 of the PALB2 protein (p.Cys828Arg). This variant is not present in population databases (gnomAD no frequency). This variant has not been reported in the literature in individuals affected with PALB2-related conditions. ClinVar contains an entry for this variant (Variation ID: 233646). Invitae Evidence Modeling of protein sequence and biophysical properties (such as structural, functional, and spatial information, amino acid conservation, physicochemical variation, residue mobility, and thermodynamic stability) indicates that this missense variant is not expected to disrupt PALB2 protein function with a negative predictive value of 80%. In summary, the available evidence is currently insufficient to determine the role of this variant in disease. Therefore, it has been classified as a Variant of Uncertain Significance.

GeneDx
Classification: Uncertain significance. Last evaluated: 2025-03-18. Review status: criteria provided, single submitter. Criteria: GeneDx Variant Classification Process June 2021. Collection method: clinical testing. Allele origin: germline. Affected: yes.
Comment: Not observed at significant frequency in large population cohorts (gnomAD); In silico analysis supports that this missense variant has a deleterious effect on protein structure/function; Has not been previously published as pathogenic or benign to our knowledge; This variant is associated with the following publications: (PMID: 24485656)

Ambry Genetics
Classification: Uncertain significance for Hereditary cancer-predisposing syndrome. Last evaluated: 2024-03-21. Review status: criteria provided, single submitter. Criteria: Ambry Variant Classification Scheme 2023. Collection method: clinical testing. Allele origin: germline.
Comment: The p.C828R variant (also known as c.2482T>C), located in coding exon 5 of the PALB2 gene, results from a T to C substitution at nucleotide position 2482. The cysteine at codon 828 is replaced by arginine, an amino acid with highly dissimilar properties. This amino acid position is not well conserved in available vertebrate species. In addition, this alteration is predicted to be tolerated by in silico analysis. Since supporting evidence is limited at this time, the clinical significance of this alteration remains unclear.

Color Diagnostics, LLC DBA Color Health
Classification: Uncertain significance for Hereditary cancer-predisposing syndrome. Last evaluated: 2022-01-21. Review status: criteria provided, single submitter. Criteria: ACMG Guidelines, 2015. Collection method: clinical testing. Allele origin: germline.
Comment: This missense variant replaces cysteine with arginine at codon 828 of the PALB2 protein. Computational prediction suggests that this variant may not impact protein structure and function (internally defined REVEL score threshold <= 0.5, PMID: 27666373). To our knowledge, functional studies have not been reported for this variant. In a large breast cancer case-control study, this variant has been observed in 1/60465 cases and 1/53460 controls; OR=0.884 (95%CI 0.055 to 14.136); p-value=1 (PMID: 33471991 - Leiden Open Variation Database DB-ID PALB2_010890). This variant has not been identified in the general population by the Genome Aggregation Database (gnomAD). The available evidence is insufficient to determine the role of this variant in disease conclusively. Therefore, this variant is classified as a Variant of Uncertain Significance.

Women's Health and Genetics/Laboratory Corporation of America, LabCorp
Classification: Uncertain significance. Last evaluated: 2020-04-06. Review status: criteria provided, single submitter. Criteria: LabCorp Variant Classification Summary - May 2015. Collection method: clinical testing. Allele origin: germline.
Comment: Variant summary: PALB2 c.2482T>C (p.Cys828Arg) results in a non-conservative amino acid change in the encoded protein sequence. Four of five in-silico tools predict a benign effect of the variant on protein function. The variant was absent in 251398 control chromosomes (gnomAD). The available data on variant occurrences in the general population are insufficient to allow any conclusion about variant significance. To our knowledge, no occurrence of c.2482T>C in individuals affected with Breast Cancer and no experimental evidence demonstrating its impact on protein function have been reported. Three ClinVar submitters (evaluation after 2014) cite the variant as uncertain significance. Based on the evidence outlined above, the variant was classified as uncertain significance.

Literature cited by the submitters: PubMed 33471991 (cited by Color Diagnostics, LLC DBA Color Health).

NM_024675.4(PALB2):c.2482T>C (p.Cys828Arg)

Gene: PALB2 (partner and localizer of BRCA2; minus strand). Cytogenetic location: 16p12.2.
Variant type: single nucleotide variant.
Coding change: c.2482T>C on transcript NM_024675.4 (MANE Select); coding-DNA position 2482, T replaced by C.
Protein change: p.Cys828Arg; replaces cysteine 828 with arginine.
Molecular consequence: missense variant.
Genome position (GRCh38, 1-based): chr16:23,629,672, A>G on the plus strand (T>C on the coding strand, the complement: PALB2 is on the minus strand). VCF-style: chr16-23629672-A-G. GRCh37 (hg19) VCF-style: chr16-23640993-A-G.
Other names: short protein forms C828R.
Identifiers: ClinVar variation 233646 (VCV000233646.22), dbSNP rs876660545, ClinGen allele CA10579967.